The following is an entry in ClinVar:

NM_000552.5(VWF):c.1519A>G (p.Arg507Gly)

Gene: VWF (von Willebrand factor; minus strand). Cytogenetic location: 12p13.31.
Variant type: single nucleotide variant.
Coding change: c.1519A>G on transcript NM_000552.5 (MANE Select); coding-DNA position 1519, A replaced by G.
Protein change: p.Arg507Gly; replaces arginine 507 with glycine.
Molecular consequence: missense variant.
Genome position (GRCh38, 1-based): chr12:6,062,968, T>C on the plus strand (A>G on the coding strand, the complement: VWF is on the minus strand). VCF-style: chr12-6062968-T-C. GRCh37 (hg19) VCF-style: chr12-6172134-T-C.
Other names: c.1519A>G (NM_000552.4); short protein forms R507G.
Identifiers: ClinVar variation 1163931 (VCV001163931.33), dbSNP rs189409574, ClinGen allele CA6403371.

ClinVar aggregate classification (germline): Conflicting classifications of pathogenicity. Review status: criteria provided, conflicting classifications (1 of 4 stars). 6 submissions from 6 submitters: Uncertain significance (4); Likely benign (2). Last evaluated 2025-06-18.

Conditions:
VWF-related disorder. Also called: VWF-related condition; VWF-related disorders.

Allele frequency attached by ClinVar (database versions not stated): gnomAD 0.00019 and 0.00031; gnomAD exomes 0.00026 and 0.00074; TOPMed 0.00049; ExAC 0.00061; 1000 Genomes Project 0.00180; 1000 Genomes Project 30x 0.00187.
gnomAD v4.1: 430 of 1,612,736 alleles (0.027%); highest among the groups gnomAD compares: East Asian, 0.81%; 3 homozygotes.

Submissions (6):

Quest Diagnostics Nichols Institute San Juan Capistrano
Classification: Uncertain significance. Last evaluated: 2025-06-18. Review status: criteria provided, single submitter. Criteria: Quest Diagnostics criteria. Collection method: clinical testing. Allele origin: unknown.
Comment: The VWF c.1519A>G (p.Arg507Gly) variant has been reported in the published literature in individuals with C3 glomerulopathy (C3G) (PMID: 34245915 (2021)) and severe hypertension associated thrombotic microangiopathy (TMA) (PMID: 37103770 (2023)).The frequency of this variant in the general population (Genome Aggregation Database) is higher than would generally be expected for pathogenic variants in this gene. Analysis of this variant using a bioinformatics tool for the prediction of the effect of amino acid changes on protein structure and function yielded a prediction that this variant is benign. Based on the available information, we are unable to determine the clinical significance of this variant.

ARUP Laboratories, Molecular Genetics and Genomics, ARUP Laboratories
Classification: Uncertain significance. Last evaluated: 2025-02-27. Review status: criteria provided, single submitter. Criteria: ARUP Molecular Germline Variant Investigation Process 2024. Collection method: clinical testing. Allele origin: germline.
Comment: The VWF c.1519A>G; p.Arg507Gly variant (rs189409574; ClinVar Variation ID: 1163931), to our knowledge, is not reported in the medical literature in association with von Willebrand disease. This variant is found in the East Asian population with an allele frequency of 0.94% (187/19908 alleles, including 3 homozygotes) in the Genome Aggregation Database (v2.1.1). Computational analyses are uncertain whether this variant is neutral or deleterious (REVEL: 0.270). Due to limited information, the clinical significance of this variant is uncertain at this time.

PreventionGenetics, part of Exact Sciences
Classification: Likely benign for VWF-related condition. Last evaluated: 2025-02-20. Review status: criteria provided, single submitter. Criteria: ACMG Guidelines, 2015. Collection method: clinical testing. Allele origin: germline.
Comment: This variant is classified as likely benign based on ACMG/AMP sequence variant interpretation guidelines (Richards et al. 2015 PMID: 25741868, with internal and published modifications).

Blueprint Genetics
Classification: Uncertain significance. Last evaluated: 2024-10-03. Review status: criteria provided, single submitter. Criteria: ACMG Guidelines, 2015. Collection method: clinical testing. Allele origin: germline.

CeGaT Center for Human Genetics Tuebingen
Classification: Likely benign. Last evaluated: 2023-11-01. Review status: criteria provided, single submitter. Criteria: CeGaT Center For Human Genetics Tuebingen Variant Classification Criteria Version 2. Collection method: clinical testing. Allele origin: germline. Affected: yes. Observed: 1 variant allele.
Comment: VWF: BP4, BS2

Mayo Clinic Laboratories, Mayo Clinic
Classification: Uncertain significance. Last evaluated: 2020-05-04. Review status: criteria provided, single submitter. Criteria: ACMG Guidelines, 2015. Collection method: clinical testing. Allele origin: germline. Observed: 1 variant allele.

Literature cited by the submitters: PubMed 34245915 (cited by Quest Diagnostics Nichols Institute San Juan Capistrano); PubMed 37103770 (cited by Quest Diagnostics Nichols Institute San Juan Capistrano).